The following is an entry in ClinVar:

ClinVar aggregate classification (germline): Likely benign (0 of 4 stars; one submission).

Conditions:
GLDN-related disorder. Also called: GLDN-related condition.

gnomAD v4.1: 37 of 1,607,684 alleles (0.0023%); highest among the groups gnomAD compares: East Asian, 0.02%; no homozygotes.

Submission:

PreventionGenetics, part of Exact Sciences
Classification: Likely benign for GLDN-related condition. Last evaluated: 2019-08-09. Review status: no assertion criteria provided. Collection method: clinical testing. Allele origin: germline.
Comment: This variant is classified as likely benign based on ACMG/AMP sequence variant interpretation guidelines (Richards et al. 2015 PMID: 25741868, with internal and published modifications).

NM_181789.4(GLDN):c.441G>A (p.Pro147=)

Gene: GLDN (gliomedin; plus strand). Cytogenetic location: 15q21.2.
Variant type: single nucleotide variant.
Coding change: c.441G>A on transcript NM_181789.4 (MANE Select); coding-DNA position 441, G replaced by A.
Protein change: p.Pro147=; no amino-acid change (proline 147 retained).
Molecular consequence: synonymous variant.
Genome position (GRCh38, 1-based): chr15:51,383,792, G>A. VCF-style: chr15-51383792-G-A. GRCh37 (hg19) VCF-style: chr15-51675989-G-A.
Other names: c.69G>A, p.Pro23= (NM_001330297.2).
Identifiers: ClinVar variation 3358648 (VCV003358648.1).